The following is an entry in ClinVar:

NM_001130823.3(DNMT1):c.2121T>C (p.Cys707=)

Gene: DNMT1 (DNA methyltransferase 1; minus strand). Cytogenetic location: 19p13.2.
Variant type: single nucleotide variant.
Coding change: c.2121T>C on transcript NM_001130823.3 (MANE Select); coding-DNA position 2121, T replaced by C.
Protein change: p.Cys707=; no amino-acid change (cysteine 707 retained).
Molecular consequence: synonymous variant.
Genome position (GRCh38, 1-based): chr19:10,151,542, A>G on the plus strand (T>C on the coding strand, the complement: DNMT1 is on the minus strand). VCF-style: chr19-10151542-A-G. GRCh37 (hg19) VCF-style: chr19-10262218-A-G.
Other names: c.2073T>C, p.Cys691= (NM_001318730.2, NM_001379.4); c.1758T>C, p.Cys586= (NM_001318731.2).
Identifiers: ClinVar variation 4085928 (VCV004085928.8).

ClinVar aggregate classification (germline): Likely benign (1 of 4 stars; one submission).

Submission:

CeGaT Center for Human Genetics Tuebingen
Classification: Likely benign. Last evaluated: 2025-08-01. Review status: criteria provided, single submitter. Criteria: CeGaT Center For Human Genetics Tuebingen Variant Classification Criteria Version 2. Collection method: clinical testing. Allele origin: germline. Affected: yes. Observed: 1 variant allele.
Comment: DNMT1: PM2:Supporting, BP4, BP7